The following is an entry in ClinVar:

NM_000036.3(AMPD1):c.1772A>C (p.Asp591Ala)

Gene: AMPD1 (adenosine monophosphate deaminase 1; minus strand). Cytogenetic location: 1p13.2.
Variant type: single nucleotide variant.
Coding change: c.1772A>C on transcript NM_000036.3 (MANE Select); coding-DNA position 1772, A replaced by C.
Protein change: p.Asp591Ala; replaces aspartic acid 591 with alanine.
Molecular consequence: missense variant.
Genome position (GRCh38, 1-based): chr1:114,674,780, T>G on the plus strand (A>C on the coding strand, the complement: AMPD1 is on the minus strand). VCF-style: chr1-114674780-T-G. GRCh37 (hg19) VCF-style: chr1-115217401-T-G.
Other names: c.1760A>C, p.Asp587Ala (NM_001172626.2); short protein forms D587A, D591A.
Identifiers: ClinVar variation 2140385 (VCV002140385.3), dbSNP rs1191384329, ClinGen allele CA341745886.
Genomic context (GRCh38, chr1:114,674,780, plus strand): 5'-TGTAAAAGTTAAGAAGAGAGCTTCCAACTCACCTTTTTTAAATTTAGGCCATGAGAGATA[T>G]CATCTGCTATCATGAATGCTGTCATGAGATGGGTGAGGGCTCCAGCTTCTCCACAGTGAG-3'
Protein context (NP_000027.3, residues 581-601): HLMTAFMIAD[Asp591Ala]ISHGLNLKKS

ClinVar aggregate classification (germline): Uncertain significance (1 of 4 stars; one submission).

Conditions:
Muscle AMP deaminase deficiency (MMDD). Also called: Myoadenylate deaminase deficiency, myopathy due to; ADENOSINE MONOPHOSPHATE DEAMINASE-1 DEFICIENCY, MYOPATHY DUE TO; AMPD1 DEFICIENCY; Adenosine monophosphate deaminase 1 deficiency; AMP deaminase 1 deficiency; Adenosine Monophosphate Deaminase 1. Identifiers: Orphanet 45, MedGen C3714933, MONDO:0014220, OMIM 615511.

gnomAD v4.1: 6 of 1,613,590 alleles (0.00037%); highest among the groups gnomAD compares: Non-Finnish European, 0.00051%; no homozygotes.

Submission:

Labcorp Genetics (formerly Invitae), Labcorp
Classification: Uncertain significance for Muscle AMP deaminase deficiency. Last evaluated: 2024-08-01. Review status: criteria provided, single submitter. Criteria: Invitae Variant Classification Sherloc (09022015). Collection method: clinical testing. Allele origin: germline.
Comment: This sequence change replaces aspartic acid, which is acidic and polar, with alanine, which is neutral and non-polar, at codon 624 of the AMPD1 protein (p.Asp624Ala). This variant is not present in population databases (gnomAD no frequency). This variant has not been reported in the literature in individuals affected with AMPD1-related conditions. ClinVar contains an entry for this variant (Variation ID: 2140385). An algorithm developed to predict the effect of missense changes on protein structure and function (PolyPhen-2) suggests that this variant¬†is likely to be tolerated. In summary, the available evidence is currently insufficient to determine the role of this variant in disease. Therefore, it has been classified as a Variant of Uncertain Significance.